The following is an entry in ClinVar:

NM_004360.5(CDH1):c.2023_2025del (p.Lys675del)

Gene: CDH1 (cadherin 1; plus strand). Cytogenetic location: 16q22.1.
Variant type: Deletion.
Coding change: c.2023_2025del on transcript NM_004360.5 (MANE Select); coding-DNA positions 2023 to 2025, 3 bases deleted (AAA; older notation c.2023_2025delAAA).
Protein change: p.Lys675del; deletes lysine 675.
Molecular consequence: inframe deletion.
Genome position (GRCh38, 1-based): chr16:68,823,485-68,823,487, AAA deleted. VCF-style (leftmost placement, unchanged base first): chr16-68823484-TAAA-T. GRCh37 (hg19) VCF-style: chr16-68857387-TAAA-T.
Other names: c.1840_1842del, p.Lys614del (NM_001317184.2); c.475_477del, p.Lys159del (NM_001317185.2); c.58_60del, p.Lys20del (NM_001317186.2); short protein forms K159del, K614del, K20del, K675del.
Identifiers: ClinVar variation 1784595 (VCV001784595.2), dbSNP rs2543945576, ClinGen allele CA2580091879.

ClinVar aggregate classification (germline): Uncertain significance (1 of 4 stars; one submission).

Conditions:
Hereditary cancer-predisposing syndrome. Also called: Neoplastic Syndromes, Hereditary; Tumor predisposition; Hereditary Cancer Syndrome; Hereditary neoplastic syndrome. Identifiers: Orphanet 140162, MedGen C0027672, MeSH D009386, MONDO:0015356.

Submission:

Ambry Genetics
Classification: Uncertain significance for Hereditary cancer-predisposing syndrome. Last evaluated: 2021-11-24. Review status: criteria provided, single submitter. Criteria: Ambry Variant Classification Scheme 2023. Collection method: clinical testing. Allele origin: germline.
Comment: The c.2023_2025delAAA variant (also known as p.K675del) is located in coding exon 13 of the CDH1 gene. This variant results from an in-frame AAA deletion at nucleotide positions 2023 to 2025. This results in the in-frame deletion of a lysine at codon 675. This amino acid position is not well conserved in available vertebrate species. In addition, this alteration is predicted to be deleterious by in silico analysis (Choi Y et al. PLoS ONE. 2012; 7(10):e46688). Since supporting evidence is limited at this time, the clinical significance of this alteration remains unclear.